The following is an entry in ClinVar:

ClinVar aggregate classification (germline): Pathogenic. Review status: criteria provided, multiple submitters, no conflicts (2 of 4 stars). 3 submissions from 3 submitters: Pathogenic (3). Last evaluated 2023-06-26.

Conditions:
Familial thoracic aortic aneurysm and aortic dissection (TAAD). Also called: Thoracic aortic aneurysms and dissections. Identifiers: Orphanet 91387, MedGen C4707243, MONDO:0019625.
Ehlers-Danlos syndrome, type 4 (EDSVASC). Also called: Ehlers-Danlos syndrome vascular type; Ehlers Danlos syndrome, ecchymotic type; Ehlers Danlos syndrome, arterial type; Ehlers Danlos syndrome, Sack-Barabas type; Ehlers-Danlos Syndrome Type IV. Identifiers: Orphanet 286, MedGen C0268338, MONDO:0017314, OMIM 130050.

Submissions (3):

All of Us Research Program, National Institutes of Health
Classification: Pathogenic for Ehlers-Danlos syndrome, type 4. Last evaluated: 2023-06-26. Review status: criteria provided, single submitter. Criteria: ACMG Guidelines, 2015. Collection method: clinical testing. Allele origin: germline. Inheritance: Autosomal dominant inheritance. Observed: 1 variant allele, 1 heterozygote.
Comment: This variant changes 1 nucleotide in exon 24 of the COL3A1 gene, creating a premature translation stop signal. This variant is expected to result in an absent or non-functional protein product. To our knowledge, this variant has not been reported in individuals affected with cardiovascular disorders in the literature. This variant has not been identified in the general population by the Genome Aggregation Database (gnomAD). Loss of COL3A1 function is a known mechanism of disease. Based on the available evidence, this variant is classified as Pathogenic.

This study involves interpretation of variants in research participants for the purpose of population health screening. Participant phenotype was not available at the time of variant classification. Additional details can be found in publication PMID: 35346344, PMCID: PMC8962531

Color Diagnostics, LLC DBA Color Health
Classification: Pathogenic for Familial thoracic aortic aneurysm and aortic dissection. Last evaluated: 2023-02-01. Review status: criteria provided, single submitter. Criteria: ACMG Guidelines, 2015. Collection method: clinical testing. Allele origin: germline.
Comment: This variant changes 1 nucleotide in exon 24 of the COL3A1 gene, creating a premature translation stop signal. This variant is expected to result in an absent or non-functional protein product. To our knowledge, this variant has not been reported in individuals affected with cardiovascular disorders in the literature. This variant has not been identified in the general population by the Genome Aggregation Database (gnomAD). Loss of COL3A1 function is a known mechanism of disease. Based on the available evidence, this variant is classified as Pathogenic.

Labcorp Genetics (formerly Invitae), Labcorp
Classification: Pathogenic for Ehlers-Danlos syndrome, type 4. Last evaluated: 2018-04-10. Review status: criteria provided, single submitter. Criteria: Invitae Variant Classification Sherloc (09022015). Collection method: clinical testing. Allele origin: germline.
Comment: This sequence change creates a premature translational stop signal (p.Arg562*) in the COL3A1 gene. It is expected to result in an absent or disrupted protein product. This variant is not present in population databases (ExAC no frequency). This variant has not been reported in the literature in individuals with COL3A1-related disease. Loss-of-function variants in COL3A1 are known to be pathogenic (PMID: 24922459). For these reasons, this variant has been classified as Pathogenic.

Literature cited by the submitters: PubMed 24922459 (cited by Labcorp Genetics (formerly Invitae), Labcorp).

NM_000090.4(COL3A1):c.1684C>T (p.Arg562Ter)

Gene: COL3A1 (collagen type III alpha 1 chain; plus strand). Cytogenetic location: 2q32.2.
Variant type: single nucleotide variant.
Coding change: c.1684C>T on transcript NM_000090.4 (MANE Select); coding-DNA position 1684, C replaced by T.
Protein change: p.Arg562Ter; replaces arginine 562 with a stop codon.
Molecular consequence: nonsense.
Genome position (GRCh38, 1-based): chr2:188,996,419, C>T. VCF-style: chr2-188996419-C-T. GRCh37 (hg19) VCF-style: chr2-189861145-C-T.
Other names: short protein forms R562*.
Identifiers: ClinVar variation 577225 (VCV000577225.9), dbSNP rs375737772, ClinGen allele CA62597874.